The following is an entry in ClinVar:

ClinVar aggregate classification (germline): Likely benign. Review status: criteria provided, multiple submitters, no conflicts (2 of 4 stars). 2 submissions from 2 submitters: Likely benign (2). Last evaluated 2025-08-24.

Conditions:
Nemaline myopathy 2 (NEM2). Also called: Nemaline myopathy 2, autosomal recessive. Identifiers: MedGen C1850569, MONDO:0009725, OMIM 256030.

Submissions (2):

Labcorp Genetics (formerly Invitae), Labcorp
Classification: Likely benign for Nemaline myopathy 2. Last evaluated: 2025-08-24. Review status: criteria provided, single submitter. Criteria: Invitae Variant Classification Sherloc (09022015). Collection method: clinical testing. Allele origin: germline.

CeGaT Center for Human Genetics Tuebingen
Classification: Likely benign. Last evaluated: 2023-02-01. Review status: criteria provided, single submitter. Criteria: CeGaT Center For Human Genetics Tuebingen Variant Classification Criteria Version 2. Collection method: clinical testing. Allele origin: germline. Affected: yes. Observed: 1 variant allele.
Comment: NEB: BP4, BP7

NM_001164508.2(NEB):c.13107G>A (p.Leu4369=)

Gene: NEB (nebulin; minus strand). Cytogenetic location: 2q23.3.
Variant type: single nucleotide variant.
Coding change: c.13107G>A on transcript NM_001164508.2 (MANE Select); coding-DNA position 13107, G replaced by A.
Protein change: p.Leu4369=; no amino-acid change (leucine 4369 retained).
Molecular consequence: synonymous variant. On other transcripts: intron variant (1).
Genome position (GRCh38, 1-based): chr2:151,603,725, C>T on the plus strand (G>A on the coding strand, the complement: NEB is on the minus strand). VCF-style: chr2-151603725-C-T. GRCh37 (hg19) VCF-style: chr2-152460239-C-T.
Other names: c.11601+6084G>A (NM_004543.5); c.13107G>A, p.Leu4369= (NM_001164507.2, NM_001271208.2).
Identifiers: ClinVar variation 1080548 (VCV001080548.32), dbSNP rs1310978096, ClinGen allele CA429232390.
Genomic context (GRCh38, chr2:151,603,725, plus strand): 5'-CCTTTCATTCAAGAGATTCTGGGCATTCTTCACTCTCATCACTTCCACAGAACCCTCTGG[C>T]AGCCATCCAATACCCTTCAGCCATTCCAGGTCTGACTTGTACAAGTTCTACATGAAGGAG-3'
Protein context (NP_001157980.2, residues 4359-4379): DLEWLKGIGW[Leu4369=]PEGSVEVMRV